The following is an entry in ClinVar:

ClinVar aggregate classification (germline): Uncertain significance (1 of 4 stars; one submission).

Conditions:
Primary ciliary dyskinesia. Also called: Ciliary dyskinesia. Identifiers: Orphanet 244, MedGen C0008780, MONDO:0016575, HP:0012265.

Submission:

Ambry Genetics
Classification: Uncertain significance for Primary ciliary dyskinesia. Last evaluated: 2017-02-14. Review status: criteria provided, single submitter. Criteria: Ambry Variant Classification Scheme 2023. Collection method: clinical testing. Allele origin: germline.
Comment: The p.V134G variant (also known as c.401T>G), located in coding exon 3 of the ARMC4 gene, results from a T to G substitution at nucleotide position 401. The valine at codon 134 is replaced by glycine, an amino acid with dissimilar properties. This amino acid position is poorly conserved in available vertebrate species. In addition, this alteration is predicted to be tolerated by in silico analysis. Since supporting evidence is limited at this time, the clinical significance of this alteration remains unclear.

NM_018076.5(ODAD2):c.401T>G (p.Val134Gly)

Gene: ODAD2 (outer dynein arm docking complex subunit 2; minus strand). Cytogenetic location: 10p12.1.
Variant type: single nucleotide variant.
Coding change: c.401T>G on transcript NM_018076.5 (MANE Select); coding-DNA position 401, T replaced by G.
Protein change: p.Val134Gly; replaces valine 134 with glycine.
Molecular consequence: missense variant.
Genome position (GRCh38, 1-based): chr10:27,985,193, A>C on the plus strand (T>G on the coding strand, the complement: ODAD2 is on the minus strand). VCF-style: chr10-27985193-A-C. GRCh37 (hg19) VCF-style: chr10-28274122-A-C.
Other names: c.401T>G, p.Val134Gly (NM_001290020.2); short protein forms V134G.
Identifiers: ClinVar variation 1799641 (VCV001799641.2), dbSNP rs2494405088, ClinGen allele CA376397415.
Genomic context (GRCh38, chr10:27,985,193, plus strand): 5'-AGAATATTTAATGCAATTGAGTTTTCTTTCATTGTATTATAATCAGAGCCCAGGATTTTT[A>C]CTATGGGGTCTCTGTTAGCTGCCAAAAAAAAAAAAAAGGAGACAAATAAAAATTATCCAC-3'
Protein context (NP_060546.2, residues 124-144): ACVEANRDPI[Val134Gly]KILGSDYNTM